The following is an entry in ClinVar:

ClinVar aggregate classification (germline): Conflicting classifications of pathogenicity. Review status: criteria provided, conflicting classifications (1 of 4 stars). 2 submissions from 2 submitters: Uncertain significance (1); Likely benign (1). Last evaluated 2026-04-29.

Conditions:
Peutz-Jeghers syndrome (PJS). Also called: POLYPOSIS, HAMARTOMATOUS INTESTINAL; POLYPS-AND-SPOTS SYNDROME; Peutz-Jeghers polyposis; Periorificial lentiginosis syndrome. Identifiers: Orphanet 2869, MedGen C0031269, MeSH D010580, MONDO:0008280, OMIM 175200.
Hereditary cancer-predisposing syndrome. Also called: Neoplastic Syndromes, Hereditary; Tumor predisposition; Hereditary Cancer Syndrome; Hereditary neoplastic syndrome. Identifiers: Orphanet 140162, MedGen C0027672, MeSH D009386, MONDO:0015356.

Submissions (2):

Ambry Genetics
Classification: Likely benign for Hereditary cancer-predisposing syndrome. Last evaluated: 2026-04-29. Review status: criteria provided, single submitter. Criteria: Ambry Variant Classification Scheme 2023. Collection method: clinical testing. Allele origin: germline.

Labcorp Genetics (formerly Invitae), Labcorp
Classification: Uncertain significance for Peutz-Jeghers syndrome. Last evaluated: 2024-03-29. Review status: criteria provided, single submitter. Criteria: Invitae Variant Classification Sherloc (09022015). Collection method: clinical testing. Allele origin: germline.
Comment: This sequence change replaces arginine, which is basic and polar, with proline, which is neutral and non-polar, at codon 384 of the STK11 protein (p.Arg384Pro). This variant is not present in population databases (gnomAD no frequency). This variant has not been reported in the literature in individuals affected with STK11-related conditions. ClinVar contains an entry for this variant (Variation ID: 2600244). Advanced modeling of protein sequence and biophysical properties (such as structural, functional, and spatial information, amino acid conservation, physicochemical variation, residue mobility, and thermodynamic stability) performed at Invitae indicates that this missense variant is not expected to disrupt STK11 protein function with a negative predictive value of 95%. In summary, the available evidence is currently insufficient to determine the role of this variant in disease. Therefore, it has been classified as a Variant of Uncertain Significance.

NM_000455.5(STK11):c.1151G>C (p.Arg384Pro)

Gene: STK11 (serine/threonine kinase 11; plus strand). Cytogenetic location: 19p13.3.
Variant type: single nucleotide variant.
Coding change: c.1151G>C on transcript NM_000455.5 (MANE Select); coding-DNA position 1151, G replaced by C.
Protein change: p.Arg384Pro; replaces arginine 384 with proline.
Molecular consequence: missense variant. On other transcripts: non-coding transcript variant (1).
Genome position (GRCh38, 1-based): chr19:1,226,496, G>C. VCF-style: chr19-1226496-G-C. GRCh37 (hg19) VCF-style: chr19-1226495-G-C.
Other names: short protein forms R384P.
Identifiers: ClinVar variation 2600244 (VCV002600244.6), dbSNP rs371102112, ClinGen allele CA402953384.